The following is an entry in ClinVar:

NM_000181.4(GUSB):c.527_530del (p.Leu176fs)

Gene: GUSB (glucuronidase beta; minus strand). Cytogenetic location: 7q11.21.
Variant type: Deletion.
Coding change: c.527_530del on transcript NM_000181.4 (MANE Select); coding-DNA positions 527 to 530, 4 bases deleted (TCAC; older notation c.527_530delTCAC).
Protein change: p.Leu176fs; shifts the reading frame from leucine 176.
Molecular consequence: frameshift variant. On other transcripts: non-coding transcript variant (1), intron variant (3).
Genome position (GRCh38, 1-based): chr7:65,979,778-65,979,781, GTGA deleted on the plus strand (TCAC on the coding strand, the reverse complement: GUSB is on the minus strand); deleting any 4 consecutive bases within chr7:65,979,778-65,979,784 gives the same sequence; the c. name uses the placement nearest the transcript's 3' end. VCF-style (leftmost placement, unchanged base first): chr7-65979777-GGTGA-G. GRCh37 (hg19) VCF-style: chr7-65444764-GGTGA-G.
Other names: c.67+443_67+446del (NM_001293105.2); c.12-240_12-237del (NM_001293104.2); c.474+53_474+56del (NM_001284290.2); short protein forms L176fs.
Identifiers: ClinVar variation 2869792 (VCV002869792.4), dbSNP rs776287966, ClinGen allele CA4276617.

ClinVar aggregate classification (germline): Pathogenic (1 of 4 stars; one submission).

Conditions:
Mucopolysaccharidosis type 7 (MPS7). Also called: BETA-GLUCURONIDASE DEFICIENCY; GUSB DEFICIENCY; MPS VII; SLY SYNDROME. Identifiers: Orphanet 584, MedGen C0085132, MONDO:0009662, OMIM 253220.

Submission:

Labcorp Genetics (formerly Invitae), Labcorp
Classification: Pathogenic for Mucopolysaccharidosis type 7. Last evaluated: 2023-08-02. Review status: criteria provided, single submitter. Criteria: Invitae Variant Classification Sherloc (09022015). Collection method: clinical testing. Allele origin: germline.
Comment: This sequence change creates a premature translational stop signal (p.Leu176Profs*13) in the GUSB gene. It is expected to result in an absent or disrupted protein product. Loss-of-function variants in GUSB are known to be pathogenic (PMID: 19224584). This variant is present in population databases (rs776287966, gnomAD 0.003%). This variant has not been reported in the literature in individuals affected with GUSB-related conditions. For these reasons, this variant has been classified as Pathogenic.

Literature cited by the submitters: PubMed 19224584.